The following is an entry in ClinVar:

ClinVar aggregate classification (germline): Likely pathogenic (1 of 4 stars; one submission).

Conditions:
Arrhythmogenic right ventricular dysplasia 9 (ARVD9). Also called: Arrhythmogenic Right Ventricular Dysplasia/Cardiomyopathy 9; ARRHYTHMOGENIC RIGHT VENTRICULAR DYSPLASIA, FAMILIAL, 9. Identifiers: MedGen C1836906, MONDO:0012180, OMIM 609040.

Submission:

Victorian Clinical Genetics Services, Murdoch Childrens Research Institute
Classification: Likely pathogenic for Arrhythmogenic right ventricular dysplasia 9. Last evaluated: 2023-07-16. Review status: criteria provided, single submitter. Criteria: ACMG Guidelines, 2015. Collection method: clinical testing. Allele origin: germline. Inheritance: Autosomal dominant inheritance. Affected: yes.
Comment: Based on the classification scheme VCGS_Germline_v1.3.4, this variant is classified as Likely pathogenic. Following criteria are met: 0102 - Loss of function is a known mechanism of disease in this gene and is associated with arrhythmogenic right ventricular dysplasia 9 (MIM#609040). (I) 0107 - This gene is associated with autosomal dominant disease. (I) 0112 - The condition associated with this gene has incomplete penetrance (PMIDs: 17010805, 23183494). (I) 0115 - Variants in this gene are known to have variable expressivity (PMIDs: 17010805, 23183494). (I) 0201 - Variant is predicted to cause nonsense-mediated decay (NMD) and loss of protein (premature termination codon is located at least 54 nucleotides upstream of the final exon-exon junction). (SP) 0251 - This variant is heterozygous. (I) 0301 - Variant is absent from gnomAD (both v2 and v3). (SP) 0701 - Other null variants comparable to the one identified in this case have very strong previous evidence for pathogenicity. There are at least ten NMD-predicted variants that have been reported as likely pathogenic or pathogenic (DECIPHER, ClinVar). (SP) 0807 - This variant has no previous evidence of pathogenicity. (I) 0905 - No published segregation evidence has been identified for this variant. (I) 1007 - No published functional evidence has been identified for this variant. (I) Legend: (SP) - Supporting pathogenic, (I) - Information, (SB) - Supporting benign

Literature cited by the submitters: PubMed 17010805; PubMed 23183494.

NM_001005242.3(PKP2):c.1883_1887delinsG (p.Lys628fs)

Gene: PKP2 (plakophilin 2; minus strand). Cytogenetic location: 12p11.21.
Variant type: Indel.
Coding change: c.1883_1887delinsG on transcript NM_001005242.3 (MANE Select); coding-DNA positions 1883 to 1887, AGGGC replaced by G.
Protein change: p.Lys628fs; shifts the reading frame from lysine 628.
Molecular consequence: frameshift variant.
Genome position (GRCh38, 1-based): chr12:32,821,482-32,821,486, GCCCT replaced by C on the plus strand (AGGGC replaced by G on the coding strand, the reverse complement: PKP2 is on the minus strand). VCF-style: chr12-32821482-GCCCT-C. GRCh37 (hg19) VCF-style: chr12-32974416-GCCCT-C.
Other names: c.1883_1887delAGGGCinsG, p.Lys628Argfs (NM_001407155.1, NM_001407161.1); c.1718_1722delAGGGCinsG, p.Lys573Argfs (NM_001407156.1); c.2015_2019delAGGGCinsG, p.Lys672Argfs (NM_001407157.1); c.1556_1560delAGGGCinsG, p.Lys519Argfs (NM_001407158.1, NM_001407159.1, NM_001407160.1 and 1 more transcripts); c.2015_2019delinsG, p.Lys672fs (NM_004572.4); short protein forms K628fs, K672fs.
Identifiers: ClinVar variation 1805085 (VCV001805085.2), dbSNP rs2541229674, ClinGen allele CA2573050775.
Genomic context (GRCh38, chr12:32,821,482, plus strand): 5'-ACTTTTGGCGATCAAGGACAGATACATCCTTATAACAATGGAATGCCACAGCCACTCCAC[GCCCT>C]TGGGGTTGCTCTTTTCCTCCGGCATCGGCACGTCCTGGTATTGCTGACCACACACAAAAG-3'